The following is an entry in ClinVar:

ClinVar aggregate classification (germline): Uncertain significance. Review status: criteria provided, multiple submitters, no conflicts (2 of 4 stars). 2 submissions from 2 submitters: Uncertain significance (2). Last evaluated 2025-09-10.

gnomAD v4.1: 7 of 1,614,150 alleles (0.00043%); highest among the groups gnomAD compares: Admixed American, 0.0033%; no homozygotes.

Submissions (2):

Athena Diagnostics
Classification: Uncertain significance. Last evaluated: 2025-09-10. Review status: criteria provided, single submitter. Criteria: Athena Diagnostics Criteria. Collection method: clinical testing. Allele origin: unknown.
Comment: Available data are insufficient to determine the clinical significance of the variant at this time. The frequency of this variant in the general population is uninformative in assessment of its pathogenicity. Polyphen and MutationTaster yielded discordant predictions regarding whether this amino acid change is damaging to the protein.

Kariminejad - Najmabadi Pathology & Genetics Center
Classification: Uncertain significance. Last evaluated: 2020-04-08. Review status: criteria provided, single submitter. Criteria: ACMG Guidelines, 2015. Collection method: clinical testing. Allele origin: germline. Inheritance: Autosomal recessive inheritance. Affected: yes.
Comment: PM2, PP3, BP1

NM_182961.4(SYNE1):c.9181A>G (p.Lys3061Glu)

Gene: SYNE1 (spectrin repeat containing nuclear envelope protein 1; minus strand). Cytogenetic location: 6q25.2.
Variant type: single nucleotide variant.
Coding change: c.9181A>G on transcript NM_182961.4 (MANE Select); coding-DNA position 9181, A replaced by G.
Protein change: p.Lys3061Glu; replaces lysine 3061 with glutamic acid.
Molecular consequence: missense variant.
Genome position (GRCh38, 1-based): chr6:152,376,524, T>C on the plus strand (A>G on the coding strand, the complement: SYNE1 is on the minus strand). VCF-style: chr6-152376524-T-C. GRCh37 (hg19) VCF-style: chr6-152697659-T-C.
Other names: c.9202A>G, p.Lys3068Glu (NM_033071.5); c.9181A>G (NM_182961.2); short protein forms K3061E, K3068E.
Identifiers: ClinVar variation 3897035 (VCV003897035.2).